The following is an entry in ClinVar:

ClinVar aggregate classification (germline): Pathogenic (1 of 4 stars; one submission).

Submission:

GeneDx
Classification: Pathogenic. Last evaluated: 2026-02-09. Review status: criteria provided, single submitter. Criteria: GeneDx Variant Classification Process June 2021. Collection method: clinical testing. Allele origin: germline. Affected: yes.
Comment: Nonsense variant predicted to result in protein truncation or nonsense mediated decay in a gene for which loss of function is a known mechanism of disease; Not observed at significant frequency in large population cohorts (gnomAD); This variant is associated with the following publications: (PMID: 33057194, 35982159)

NM_013275.6(ANKRD11):c.7138C>T (p.Gln2380Ter)

Gene: ANKRD11 (ankyrin repeat domain 11; minus strand). Cytogenetic location: 16q24.3.
Variant type: single nucleotide variant.
Coding change: c.7138C>T on transcript NM_013275.6 (MANE Select); coding-DNA position 7138, C replaced by T.
Protein change: p.Gln2380Ter; replaces glutamine 2380 with a stop codon.
Molecular consequence: nonsense.
Genome position (GRCh38, 1-based): chr16:89,279,404, G>A on the plus strand (C>T on the coding strand, the complement: ANKRD11 is on the minus strand). VCF-style: chr16-89279404-G-A. GRCh37 (hg19) VCF-style: chr16-89345812-G-A.
Other names: c.7138C>T, p.Gln2380Ter (NM_001256182.2, NM_001256183.2); short protein forms Q2380*.
Identifiers: ClinVar variation 379306 (VCV000379306.3), dbSNP rs1057520565, ClinGen allele CA16608326.
Genomic context (GRCh38, chr16:89,279,404, plus strand): 5'-GCTGCTGCTGCAGCTGCTGGGTGGAGCGCTGAAAGCGGCGTTTGCGCGGATGCTGGGCCT[G>A]GGCGTCGTCGTCCTCGGAGCCGCGGGCCTTGGCCCTGGTGACCGGGGCAGGGGTGGGGGC-3'